The following is an entry in ClinVar:

NM_000274.4(OAT):c.1124G>C (p.Gly375Ala)

Gene: OAT (ornithine aminotransferase; minus strand). Cytogenetic location: 10q26.13.
Variant type: single nucleotide variant.
Coding change: c.1124G>C on transcript NM_000274.4 (MANE Select); coding-DNA position 1124, G replaced by C.
Protein change: p.Gly375Ala; replaces glycine 375 with alanine.
Molecular consequence: missense variant.
Genome position (GRCh38, 1-based): chr10:124,400,875, C>G on the plus strand (G>C on the coding strand, the complement: OAT is on the minus strand). VCF-style: chr10-124400875-C-G. GRCh37 (hg19) VCF-style: chr10-126089444-C-G.
Other names: c.710G>C, p.Gly237Ala (NM_001171814.2); c.1124G>C, p.Gly375Ala (NM_001322965.2, NM_001322966.2, NM_001322967.2 and 3 more transcripts); c.803G>C, p.Gly268Ala (NM_001322971.2); c.524G>C, p.Gly175Ala (NM_001322974.2); short protein forms G375A, G237A, G268A, G175A.
Identifiers: ClinVar variation 159 (VCV000000159.9), dbSNP rs121965045, ClinGen allele CA113949.
Genomic context (GRCh38, chr10:124,400,875, plus strand): 5'-TTGAGTAAATGTTTTATCTCCATACCTTTGGTTTCTTTAATGACAATAGCGTTTAATAAT[C>G]CTTTTCCTCTTACGGCAGTTACAACATCAGAAGGTAGCTTCATGAGTTCATTTCTCAAGA-3'
Protein context (NP_000265.1, residues 365-385): SDVVTAVRGK[Gly375Ala]LLNAIVIKET

ClinVar aggregate classification (germline): Likely pathogenic. Review status: criteria provided, multiple submitters, no conflicts (2 of 4 stars). 5 submissions from 5 submitters: Likely pathogenic (4). 1 of the submissions does not count toward it. Last evaluated 2025-07-31.

Conditions:
OAT-related disorder. Also called: OAT-related condition.
Hyperornithinemia. Also called: Ornithinemia. Identifiers: MedGen C0599035, HP:0012026.
Ornithine aminotransferase deficiency (GACR). Also called: OAT DEFICIENCY; OKT DEFICIENCY; Ornithine ketoacid aminotransferase deficiency; Gyrate atrophy; Gyrate atrophy of choroid and retina; Girate atrophy of the retina. Identifiers: Orphanet 414, MedGen C0018425, MONDO:0009796, OMIM 258870.

Allele frequency attached by ClinVar (database versions not stated): TOPMed below 0.00001.

Submissions (5):

Women's Health and Genetics/Laboratory Corporation of America, LabCorp
Classification: Likely pathogenic for Hyperornithinemia. Last evaluated: 2025-07-31. Review status: criteria provided, single submitter. Criteria: LabCorp Variant Classification Summary - May 2015. Collection method: clinical testing. Allele origin: germline.
Comment: Variant summary: OAT c.1124G>C (p.Gly375Ala) results in a non-conservative amino acid change in the encoded protein sequence. Algorithms developed to predict the effect of missense changes on protein structure and function all suggest that this variant is likely to be disruptive. The variant was absent in 250544 control chromosomes. c.1124G>C has been observed in the presumed compound heterozygous or homozygous state in at least 2 individual(s) affected with Ornithine Aminotransferase Deficiency (example, Brody_1992, Labcorp Genetics (formerly Invitae)). These data indicate that the variant may be associated with disease. At least one publication reports experimental evidence evaluating an impact on protein function. The most pronounced variant effect results in severely reduced protein expression (Brody_1992). The following publications have been ascertained in the context of this evaluation (PMID: 1737786, 33068755, 38638626, 1612597). ClinVar contains an entry for this variant (Variation ID: 159). Based on the evidence outlined above, the variant was classified as likely pathogenic.

Variantyx, Inc.
Classification: Likely pathogenic for Ornithine aminotransferase deficiency. Last evaluated: 2025-07-06. Review status: criteria provided, single submitter. Criteria: Variantyx Assertion Criteria 2022. Collection method: clinical testing. Allele origin: germline. Inheritance: Autosomal recessive inheritance. Affected: yes.
Comment: This is a nonsynonymous variant in the OAT gene (OMIM: 613349). Pathogenic variants in this gene have been associated with autosomal recessive gyrate atrophy of choroid and retina with or without ornithinemia. The clinical symptoms reported for this individual are highly specific for autosomal recessive gyrate atrophy of choroid and retina with or without ornithinemia, which has a limited genetic etiology (PMID: 1737786) (PP4). Multiple computational algorithms predict a deleterious effect for this variant (REVEL score: 0.972) (PP3). This variant is absent from control populations (PM2). Based on the current evidence, this variant is classified as likely pathogenic for autosomal recessive gyrate atrophy of choroid and retina with or without ornithinemia.

Labcorp Genetics (formerly Invitae), Labcorp
Classification: Likely pathogenic for Ornithine aminotransferase deficiency. Last evaluated: 2025-03-03. Review status: criteria provided, single submitter. Criteria: Invitae Variant Classification Sherloc (09022015). Collection method: clinical testing. Allele origin: germline.
Comment: This sequence change replaces glycine, which is neutral and non-polar, with alanine, which is neutral and non-polar, at codon 375 of the OAT protein (p.Gly375Ala). This variant is not present in population databases (gnomAD no frequency). This missense change has been observed in individual(s) with clinical features of gyrate atrophy of the choroid and retina (GACR) (PMID: 1737786; internal data). ClinVar contains an entry for this variant (Variation ID: 159). Invitae Evidence Modeling of protein sequence and biophysical properties (such as structural, functional, and spatial information, amino acid conservation, physicochemical variation, residue mobility, and thermodynamic stability) indicates that this missense variant is expected to disrupt OAT protein function with a positive predictive value of 80%. Experimental studies are conflicting or provide insufficient evidence to determine the effect of this variant on OAT function (PMID: 1737786). In summary, the currently available evidence indicates that the variant is pathogenic, but additional data are needed to prove that conclusively. Therefore, this variant has been classified as Likely Pathogenic.

Blueprint Genetics
Classification: Likely pathogenic for OAT-related disorders. Last evaluated: 2018-04-20. Review status: criteria provided, single submitter. Criteria: ACMG Guidelines, 2015. Collection method: clinical testing. Allele origin: germline. Affected: yes. Observed: 1 variant allele.

OMIM
Classification: Pathogenic for GYRATE ATROPHY OF CHOROID AND RETINA. Last evaluated: 1992-02-15. Review status: no assertion criteria provided. Collection method: literature only. Allele origin: germline. Not counted in ClinVar's aggregate classification.

Literature cited by the submitters: PubMed 1737786 (cited by 4 submitters); PubMed 33068755 (cited by Women's Health and Genetics/Laboratory Corporation of America, LabCorp); PubMed 1612597 (cited by Women's Health and Genetics/Laboratory Corporation of America, LabCorp); PubMed 38638626 (cited by Women's Health and Genetics/Laboratory Corporation of America, LabCorp); PubMed 3339136 (cited by OMIM).